The following is an entry in ClinVar:

NM_000138.5(FBN1):c.2668T>A (p.Cys890Ser)

Gene: FBN1 (fibrillin 1; minus strand). Cytogenetic location: 15q21.1.
Variant type: single nucleotide variant.
Coding change: c.2668T>A on transcript NM_000138.5 (MANE Select); coding-DNA position 2668, T replaced by A.
Protein change: p.Cys890Ser; replaces cysteine 890 with serine.
Molecular consequence: missense variant.
Genome position (GRCh38, 1-based): chr15:48,495,132, A>T on the plus strand (T>A on the coding strand, the complement: FBN1 is on the minus strand). VCF-style: chr15-48495132-A-T. GRCh37 (hg19) VCF-style: chr15-48787329-A-T.
Other names: short protein forms C890S.
Identifiers: ClinVar variation 453168 (VCV000453168.3), dbSNP rs1555399145, ClinGen allele CA392331950.

ClinVar aggregate classification (germline): Pathogenic (1 of 4 stars; one submission).

Submission:

GeneDx
Classification: Pathogenic. Last evaluated: 2020-06-12. Review status: criteria provided, single submitter. Criteria: GeneDx Variant Classification Process June 2021. Collection method: clinical testing. Allele origin: germline. Affected: yes.
Comment: Has not been previously published as pathogenic or benign to our knowledge; Affects a cysteine residue within a TGF-binding protein domain (aka TB domain or 8-Cysteine domain) and is expected to disrupt disulfide bonding within this domain; other missense substitutions that affect cysteine residues within this TGF-binding protein domain have been reported in association with various FBN1-related phenotypes, including Marfan syndrome (Stenson et al., 2014).; Not observed in large population cohorts (Lek et al., 2016); In silico analysis supports that this missense variant has a deleterious effect on protein structure/function